The following is an entry in ClinVar:

ClinVar aggregate classification (germline): Conflicting classifications of pathogenicity. Review status: criteria provided, conflicting classifications (1 of 4 stars). 3 submissions from 3 submitters: Uncertain significance (1); Likely benign (2). Last evaluated 2025-08-06.

Conditions:
DRC4-related condition.
Primary ciliary dyskinesia 33. Also called: CILIARY DYSKINESIA, PRIMARY, 33, WITHOUT SITUS INVERSUS. Identifiers: Orphanet 244, MedGen C4225230, MONDO:0014750, OMIM 616726.

Allele frequency attached by ClinVar (database versions not stated): gnomAD 0.00005 and 0.00006; gnomAD exomes 0.00011 and 0.00059; TOPMed 0.00026; ExAC 0.00082.
gnomAD v4.1: 166 of 1,598,824 alleles (0.01%); highest among the groups gnomAD compares: Admixed American, 0.25%; no homozygotes.

Submissions (3):

Labcorp Genetics (formerly Invitae), Labcorp
Classification: Likely benign for Primary ciliary dyskinesia 33. Last evaluated: 2025-08-06. Review status: criteria provided, single submitter. Criteria: Invitae Variant Classification Sherloc (09022015). Collection method: clinical testing. Allele origin: germline.

PreventionGenetics, part of Exact Sciences
Classification: Likely benign for DRC4-related condition. Last evaluated: 2025-02-04. Review status: criteria provided, single submitter. Criteria: ACMG Guidelines, 2015. Collection method: clinical testing. Allele origin: germline.
Comment: This variant is classified as likely benign based on ACMG/AMP sequence variant interpretation guidelines (Richards et al. 2015 PMID: 25741868, with internal and published modifications).

GeneDx
Classification: Uncertain significance. Last evaluated: 2024-01-07. Review status: criteria provided, single submitter. Criteria: GeneDx Variant Classification Process June 2021. Collection method: clinical testing. Allele origin: germline. Affected: yes.
Comment: In silico analysis supports that this missense variant does not alter protein structure/function; Has not been previously published as pathogenic or benign to our knowledge

NM_001481.3(DRC4):c.1211G>A (p.Arg404His)

Gene: DRC4 (dynein regulatory complex subunit 4; plus strand). Cytogenetic location: 16q24.3.
Variant type: single nucleotide variant.
Coding change: c.1211G>A on transcript NM_001481.3 (MANE Select); coding-DNA position 1211, G replaced by A.
Protein change: p.Arg404His; replaces arginine 404 with histidine.
Molecular consequence: missense variant.
Genome position (GRCh38, 1-based): chr16:90,040,499, G>A. VCF-style: chr16-90040499-G-A. GRCh37 (hg19) VCF-style: chr16-90106907-G-A.
Other names: c.962G>A, p.Arg321His (NM_001286205.2); c.635G>A, p.Arg212His (NM_001286208.2); c.1136G>A, p.Arg379His (NM_001286209.2); short protein forms R321H, R379H, R404H, R212H.
Identifiers: ClinVar variation 707684 (VCV000707684.10), dbSNP rs755682241, ClinGen allele CA8258134.